The following is an entry in ClinVar:

ClinVar aggregate classification (germline): Pathogenic/Likely pathogenic. Review status: criteria provided, multiple submitters, no conflicts (2 of 4 stars). 2 submissions from 2 submitters: Pathogenic (1); Likely pathogenic (1). Last evaluated 2023-09-19.

Conditions:
Walker-Warburg congenital muscular dystrophy. Also called: Muscular dystrophy-dystroglycanopathy, type A; Walker-Warburg syndrome. Identifiers: Orphanet 899, MedGen C0265221, MONDO:0000171.
Muscular dystrophy-dystroglycanopathy (congenital with brain and eye anomalies), type A5. Also called: WALKER-WARBURG SYNDROME OR MUSCLE-EYE-BRAIN DISEASE, FKRP-RELATED; MUSCULAR DYSTROPHY-DYSTROGLYCANOPATHY (CONGENITAL WITH BRAIN AND EYE ANOMALIES), TYPE A, 5. Identifiers: Orphanet 588, Orphanet 899, MedGen C3150413, MONDO:0013157, OMIM 613153.

Submissions (2):

Baylor Genetics
Classification: Likely pathogenic for Muscular dystrophy-dystroglycanopathy (congenital with brain and eye anomalies), type A5. Last evaluated: 2023-09-19. Review status: criteria provided, single submitter. Criteria: ACMG Guidelines, 2015. Collection method: clinical testing. Allele origin: unknown.

Labcorp Genetics (formerly Invitae), Labcorp
Classification: Pathogenic for Walker-Warburg congenital muscular dystrophy. Last evaluated: 2022-10-29. Review status: criteria provided, single submitter. Criteria: Invitae Variant Classification Sherloc (09022015). Collection method: clinical testing. Allele origin: germline.
Comment: This variant has not been reported in the literature in individuals affected with FKRP-related conditions. This variant is not present in population databases (gnomAD no frequency). This variant disrupts a region of the FKRP protein in which other variant(s) (p.Gln460*) have been determined to be pathogenic (PMID: 16476814; Invitae). This suggests that this is a clinically significant region of the protein, and that variants that disrupt it are likely to be disease-causing. For these reasons, this variant has been classified as Pathogenic. This sequence change creates a premature translational stop signal (p.Leu446Cysfs*44) in the FKRP gene. While this is not anticipated to result in nonsense mediated decay, it is expected to disrupt the last 50 amino acid(s) of the FKRP protein.

Literature cited by the submitters: PubMed 16476814 (cited by Labcorp Genetics (formerly Invitae), Labcorp).

NM_024301.5(FKRP):c.1336del (p.Leu446fs)

Gene: FKRP (fukutin related protein; plus strand). Cytogenetic location: 19q13.32.
Variant type: Deletion.
Coding change: c.1336del on transcript NM_024301.5 (MANE Select); coding-DNA position 1336, one base deleted (C; older notation c.1336delC).
Protein change: p.Leu446fs; shifts the reading frame from leucine 446.
Molecular consequence: frameshift variant.
Genome position (GRCh38, 1-based): chr19:46,756,786, C deleted; the last of 2 consecutive C bases (chr19:46,756,785-46,756,786); deleting either gives the same sequence. VCF-style (leftmost placement, unchanged base first): chr19-46756784-TC-T. GRCh37 (hg19) VCF-style: chr19-47260041-TC-T.
Other names: c.1336del, p.Leu446fs (NM_001039885.3); short protein forms L446fs.
Identifiers: ClinVar variation 2675695 (VCV002675695.4), dbSNP rs2513999220, ClinGen allele CA2585987506.